The following is an entry in ClinVar:

NM_000085.5(CLCNKB):c.101G>A (p.Gly34Asp)

Genes: CLCNKB (chloride voltage-gated channel Kb; plus strand), LOC106501713 (CLCNKB recombination region; plus strand). Cytogenetic location: 1p36.13.
Variant type: single nucleotide variant.
Coding change: c.101G>A on transcript NM_000085.5 (MANE Select); coding-DNA position 101, G replaced by A.
Protein change: p.Gly34Asp; replaces glycine 34 with aspartic acid.
Molecular consequence: missense variant.
Genome position (GRCh38, 1-based): chr1:16,045,558, G>A. VCF-style: chr1-16045558-G-A. GRCh37 (hg19) VCF-style: chr1-16372053-G-A.
Other names: short protein forms G34D.
Identifiers: ClinVar variation 1406088 (VCV001406088.6), dbSNP rs762515275, ClinGen allele CA623180.

ClinVar aggregate classification (germline): Uncertain significance (1 of 4 stars; one submission).

Allele frequency attached by ClinVar (database versions not stated): gnomAD 0.00001; TOPMed 0.00002.
gnomAD v4.1: 7 of 1,613,458 alleles (0.00043%); highest among the groups gnomAD compares: East Asian, 0.013%; no homozygotes.

Submission:

Labcorp Genetics (formerly Invitae), Labcorp
Classification: Uncertain significance. Last evaluated: 2021-11-13. Review status: criteria provided, single submitter. Criteria: Invitae Variant Classification Sherloc (09022015). Collection method: clinical testing. Allele origin: germline.
Comment: In summary, the available evidence is currently insufficient to determine the role of this variant in disease. Therefore, it has been classified as a Variant of Uncertain Significance. Algorithms developed to predict the effect of missense changes on protein structure and function (SIFT, PolyPhen-2, Align-GVGD) all suggest that this variant is likely to be tolerated. This variant has not been reported in the literature in individuals affected with CLCNKB-related conditions. This variant is present in population databases (rs762515275, gnomAD 0.04%). This sequence change replaces glycine, which is neutral and non-polar, with aspartic acid, which is acidic and polar, at codon 34 of the CLCNKB protein (p.Gly34Asp).